The following is an entry in ClinVar:

NM_001429.4(EP300):c.1830A>G (p.Ala610=)

Gene: EP300 (EP300 lysine acetyltransferase; plus strand). Cytogenetic location: 22q13.2.
Variant type: single nucleotide variant.
Coding change: c.1830A>G on transcript NM_001429.4 (MANE Select); coding-DNA position 1830, A replaced by G.
Protein change: p.Ala610=; no amino-acid change (alanine 610 retained).
Molecular consequence: synonymous variant.
Genome position (GRCh38, 1-based): chr22:41,140,209, A>G. VCF-style: chr22-41140209-A-G. GRCh37 (hg19) VCF-style: chr22-41536213-A-G.
Other names: c.1830A>G, p.Ala610= (NM_001362843.2); c.1830A>G (NM_001429.3).
Identifiers: ClinVar variation 2199832 (VCV002199832.5), dbSNP rs138697580, ClinGen allele CA10252637.

ClinVar aggregate classification (germline): Benign/Likely benign. Review status: criteria provided, multiple submitters, no conflicts (2 of 4 stars). 2 submissions from 2 submitters: Benign (1); Likely benign (1). Last evaluated 2025-05-26.

Conditions:
EP300-related disorder. Also called: EP300-related condition; EP300-related disorders.
Rubinstein-Taybi syndrome due to EP300 haploinsufficiency. Also called: EP300-Related Rubinstein-Taybi Syndrome; RUBINSTEIN-TAYBI SYNDROME 2. Identifiers: Orphanet 353284, Orphanet 783, MedGen C3150941, MONDO:0013364, OMIM 613684.

Allele frequency attached by ClinVar (database versions not stated): TOPMed 0.00005; ESP Exome Variant Server 0.00008; ExAC 0.00001; gnomAD exomes 0.00001; gnomAD 0.00005.
gnomAD v4.1: 17 of 1,614,004 alleles (0.0011%); highest among the groups gnomAD compares: African/African-American, 0.004%; no homozygotes.

Submissions (2):

Labcorp Genetics (formerly Invitae), Labcorp
Classification: Benign for Rubinstein-Taybi syndrome due to EP300 haploinsufficiency. Last evaluated: 2025-05-26. Review status: criteria provided, single submitter. Criteria: Invitae Variant Classification Sherloc (09022015). Collection method: clinical testing. Allele origin: germline.

PreventionGenetics, part of Exact Sciences
Classification: Likely benign for EP300-related condition. Last evaluated: 2025-02-17. Review status: criteria provided, single submitter. Criteria: ACMG Guidelines, 2015. Collection method: clinical testing. Allele origin: germline.
Comment: This variant is classified as likely benign based on ACMG/AMP sequence variant interpretation guidelines (Richards et al. 2015 PMID: 25741868, with internal and published modifications).